The following is an entry in ClinVar:

NM_014423.4(AFF4):c.596G>A (p.Gly199Glu)

Gene: AFF4 (ALF transcription elongation factor 4; minus strand). Cytogenetic location: 5q31.1.
Variant type: single nucleotide variant.
Coding change: c.596G>A on transcript NM_014423.4 (MANE Select); coding-DNA position 596, G replaced by A.
Protein change: p.Gly199Glu; replaces glycine 199 with glutamic acid.
Molecular consequence: missense variant.
Genome position (GRCh38, 1-based): chr5:132,934,469, C>T on the plus strand (G>A on the coding strand, the complement: AFF4 is on the minus strand). VCF-style: chr5-132934469-C-T. GRCh37 (hg19) VCF-style: chr5-132270161-C-T.
Other names: short protein forms G199E.
Identifiers: ClinVar variation 4987387 (VCV004987387.1).
Genomic context (GRCh38, chr5:132,934,469, plus strand): 5'-TTTGCATCAGGGTCCCGAGGTGATTTGGAGCGTTGATGTTCCTTGCTATGGTGATCATTC[C>T]CATGAGACCTGGAATGACTAGAGTTTAATGAAGAAACAGCCTGGGGTTTTCCAGGGCTGG-3'
Protein context (NP_055238.1, residues 189-209): SLNSSHSRSH[Gly199Glu]NDHHSKEHQR

ClinVar aggregate classification (germline): Uncertain significance (1 of 4 stars; one submission).

Conditions:
AFF4-related disorder. Also called: AFF4-related condition.

Submission:

PreventionGenetics, part of Exact Sciences
Classification: Uncertain significance for AFF4-related condition. Last evaluated: 2026-07-24. Review status: criteria provided, single submitter. Criteria: ACMG Guidelines, 2015. Collection method: clinical testing. Allele origin: germline.
Comment: The AFF4 c.596G>A variant is predicted to result in the amino acid substitution p.Gly199Glu. To our knowledge, this variant has not been reported in the literature or in a large population database (gnomAD), indicating this variant is rare. At this time, the clinical significance of this variant is uncertain due to the absence of conclusive functional and genetic evidence.